The following is an entry in ClinVar:

NM_000395.3(CSF2RB):c.848A>T (p.Asp283Val)

Gene: CSF2RB (colony stimulating factor 2 receptor subunit beta; plus strand). Cytogenetic location: 22q12.3.
Variant type: single nucleotide variant.
Coding change: c.848A>T on transcript NM_000395.3 (MANE Select); coding-DNA position 848, A replaced by T.
Protein change: p.Asp283Val; replaces aspartic acid 283 with valine.
Molecular consequence: missense variant.
Genome position (GRCh38, 1-based): chr22:36,930,504, A>T. VCF-style: chr22-36930504-A-T. GRCh37 (hg19) VCF-style: chr22-37326546-A-T.
Other names: c.848A>T, p.Asp283Val (NM_001410827.1); c.848A>T (NM_000395.2); short protein forms D283V.
Identifiers: ClinVar variation 2746823 (VCV002746823.4), dbSNP rs1196006557, ClinGen allele CA411407737.

ClinVar aggregate classification (germline): Uncertain significance. Review status: criteria provided, multiple submitters, no conflicts (2 of 4 stars). 2 submissions from 2 submitters: Uncertain significance (2). Last evaluated 2024-11-11.

Conditions:
Inborn genetic diseases. Identifiers: MedGen C0950123, MeSH D030342.

Allele frequency attached by ClinVar (database versions not stated): gnomAD exomes below 0.00001.
gnomAD v4.1: 2 of 1,613,422 alleles (0.00012%); highest among the groups gnomAD compares: Admixed American, 0.0033%; no homozygotes.

Submissions (2):

Ambry Genetics
Classification: Uncertain significance for Inborn genetic diseases. Last evaluated: 2024-11-11. Review status: criteria provided, single submitter. Criteria: Ambry Variant Classification Scheme 2023. Collection method: clinical testing. Allele origin: germline.

Labcorp Genetics (formerly Invitae), Labcorp
Classification: Uncertain significance. Last evaluated: 2023-10-04. Review status: criteria provided, single submitter. Criteria: Invitae Variant Classification Sherloc (09022015). Collection method: clinical testing. Allele origin: germline.
Comment: This sequence change replaces aspartic acid, which is acidic and polar, with valine, which is neutral and non-polar, at codon 283 of the CSF2RB protein (p.Asp283Val). This variant is present in population databases (no rsID available, gnomAD 0.003%). This variant has not been reported in the literature in individuals affected with CSF2RB-related conditions. Advanced modeling of protein sequence and biophysical properties (such as structural, functional, and spatial information, amino acid conservation, physicochemical variation, residue mobility, and thermodynamic stability) performed at Invitae indicates that this missense variant is not expected to disrupt CSF2RB protein function. In summary, the available evidence is currently insufficient to determine the role of this variant in disease. Therefore, it has been classified as a Variant of Uncertain Significance.